The following is an entry in ClinVar:

NM_016562.4(TLR7):c.332T>C (p.Met111Thr)

Gene: TLR7 (toll like receptor 7; plus strand). Cytogenetic location: Xp22.2.
Variant type: single nucleotide variant.
Coding change: c.332T>C on transcript NM_016562.4 (MANE Select); coding-DNA position 332, T replaced by C.
Protein change: p.Met111Thr; replaces methionine 111 with threonine.
Molecular consequence: missense variant.
Genome position (GRCh38, 1-based): chrX:12,885,840, T>C. VCF-style: chrX-12885840-T-C. GRCh37 (hg19) VCF-style: chrX-12903959-T-C.
Other names: short protein forms M111T.
Identifiers: ClinVar variation 2757869 (VCV002757869.3), dbSNP rs2518437288, ClinGen allele CA412404585.

ClinVar aggregate classification (germline): Uncertain significance (1 of 4 stars; one submission).

Allele frequency attached by ClinVar (database versions not stated): gnomAD exomes below 0.00001.

Submission:

Labcorp Genetics (formerly Invitae), Labcorp
Classification: Uncertain significance. Last evaluated: 2023-09-04. Review status: criteria provided, single submitter. Criteria: Invitae Variant Classification Sherloc (09022015). Collection method: clinical testing. Allele origin: germline.
Comment: This sequence change replaces methionine, which is neutral and non-polar, with threonine, which is neutral and polar, at codon 111 of the TLR7 protein (p.Met111Thr). This variant is not present in population databases (gnomAD no frequency). This variant has not been reported in the literature in individuals affected with TLR7-related conditions. An algorithm developed to predict the effect of missense changes on protein structure and function (PolyPhen-2) suggests that this variant is likely to be tolerated. In summary, the available evidence is currently insufficient to determine the role of this variant in disease. Therefore, it has been classified as a Variant of Uncertain Significance.